The following is an entry in ClinVar:

ClinVar aggregate classification (germline): Benign/Likely benign. Review status: criteria provided, multiple submitters, no conflicts (2 of 4 stars). 9 submissions from 9 submitters: Benign (6); Likely benign (3). Last evaluated 2026-09-01.

Conditions:
GNE myopathy (NM). Also called: MYOPATHY, DISTAL, WITH OR WITHOUT RIMMED VACUOLES; NONAKA DISTAL MYOPATHY; IBM 2; Inclusion body myopathy autosomal recessive; Inclusion body myopathy quadriceps sparing; INCLUSION BODY MYOPATHY, HEREDITARY, AUTOSOMAL RECESSIVE. Identifiers: Orphanet 602, MedGen C1853926, MONDO:0011603, OMIM 605820.
Sialuria. Also called: SIALURIA, FRENCH TYPE; Sialic Acid Storage Disease. Identifiers: Orphanet 3166, MedGen C0342853, MONDO:0010028, OMIM 269921.

Allele frequency attached by ClinVar (database versions not stated): gnomAD exomes 0.00214; ExAC 0.00278; gnomAD 0.00826 and 0.00894; 1000 Genomes Project 0.00978; 1000 Genomes Project 30x 0.01046; ESP Exome Variant Server 0.00903; TOPMed 0.00920.
gnomAD v4.1: 2,608 of 1,613,054 alleles (0.16%); highest among the groups gnomAD compares: African/African-American, 2.9%; 35 homozygotes.

Submissions (9):

CeGaT Center for Human Genetics Tuebingen
Classification: Benign. Last evaluated: 2026-09-01. Review status: criteria provided, single submitter. Criteria: CeGaT Center For Human Genetics Tuebingen Variant Classification Criteria Version 2. Collection method: clinical testing. Allele origin: germline. Affected: yes. Observed: 1 variant allele.
Comment: GNE: BS1, BS2

Labcorp Genetics (formerly Invitae), Labcorp
Classification: Benign for Sialuria; GNE myopathy. Last evaluated: 2025-01-15. Review status: criteria provided, single submitter. Criteria: Invitae Variant Classification Sherloc (09022015). Collection method: clinical testing. Allele origin: germline.

Mayo Clinic Laboratories, Mayo Clinic
Classification: Benign. Last evaluated: 2024-02-15. Review status: criteria provided, single submitter. Criteria: ACMG Guidelines, 2015. Collection method: clinical testing. Allele origin: germline. Observed: 25 variant alleles.
Comment: BS1, BS2

Fulgent Genetics
Classification: Likely benign for Sialuria; GNE myopathy. Last evaluated: 2022-04-07. Review status: criteria provided, single submitter. Criteria: ACMG Guidelines, 2015. Collection method: clinical testing. Allele origin: unknown.

Center for Pediatric Genomic Medicine, Children's Mercy Hospital and Clinics
Classification: Likely benign. Last evaluated: 2016-09-08. Review status: criteria provided, single submitter. Criteria: ACMG Guidelines, 2015. Collection method: clinical testing. Allele origin: germline.
ClinVar note: Converted during submission from Likely Benign to Likely benign.

Eurofins Ntd Llc (ga)
Classification: Benign. Last evaluated: 2016-09-06. Review status: criteria provided, single submitter. Criteria: EGL Classification Definitions 2015. Collection method: clinical testing. Allele origin: germline. Observed: 7 variant alleles, 7 heterozygotes.

GeneDx
Classification: Benign. Last evaluated: 2016-05-18. Review status: criteria provided, single submitter. Criteria: GeneDx Variant Classification (06012015). Collection method: clinical testing. Allele origin: germline. Affected: yes.
Comment: This variant is considered likely benign or benign based on one or more of the following criteria: it is a conservative change, it occurs at a poorly conserved position in the protein, it is predicted to be benign by multiple in silico algorithms, and/or has population frequency not consistent with disease.

Breakthrough Genomics
Classification: Likely benign. Review status: criteria provided, single submitter. Criteria: ACMG Guidelines, 2015. Collection method: not provided. Allele origin: germline. Inheritance: Autosomal recessive inheritance. Affected: yes.

PreventionGenetics, part of Exact Sciences
Classification: Benign. Review status: criteria provided, single submitter. Criteria: ACMG Guidelines, 2015. Collection method: clinical testing. Allele origin: germline.

Literature cited by the submitters: PubMed 25617006 (cited by Mayo Clinic Laboratories, Mayo Clinic).

NM_001128227.3(GNE):c.-10G>A

Gene: GNE (glucosamine (UDP-N-acetyl)-2-epimerase/N-acetylmannosamine kinase; minus strand). Cytogenetic location: 9p13.3.
Variant type: single nucleotide variant.
Coding change: c.-10G>A on transcript NM_001128227.3 (MANE Plus Clinical); 10 bases upstream of the start codon, G replaced by A.
Molecular consequence: 5 prime UTR variant.
Genome position (GRCh38, 1-based): chr9:36,276,954, C>T on the plus strand (G>A on the coding strand, the complement: GNE is on the minus strand). VCF-style: chr9-36276954-C-T. GRCh37 (hg19) VCF-style: chr9-36276951-C-T.
Other names: c.-74G>A (NM_001190388.2).
Identifiers: ClinVar variation 257520 (VCV000257520.23), dbSNP rs73449614, ClinGen allele CA5056840.